The following is an entry in ClinVar:

NM_205768.3(ZBTB18):c.962C>T (p.Ala321Val)

Gene: ZBTB18 (zinc finger and BTB domain containing 18; plus strand). Cytogenetic location: 1q44.
Variant type: single nucleotide variant.
Coding change: c.962C>T on transcript NM_205768.3 (MANE Select); coding-DNA position 962, C replaced by T.
Protein change: p.Ala321Val; replaces alanine 321 with valine.
Molecular consequence: missense variant.
Genome position (GRCh38, 1-based): chr1:244,054,736, C>T. VCF-style: chr1-244054736-C-T. GRCh37 (hg19) VCF-style: chr1-244218038-C-T.
Other names: c.935C>T, p.Ala312Val (NM_001278196.2, NM_006352.5); c.962C>T (NM_205768.2); short protein forms A312V, A321V.
Identifiers: ClinVar variation 2431825 (VCV002431825.2), dbSNP rs1698421019, ClinGen allele CA345674076.

ClinVar aggregate classification (germline): Uncertain significance. Review status: criteria provided, multiple submitters, no conflicts (2 of 4 stars). 2 submissions from 2 submitters: Uncertain significance (2). Last evaluated 2024-11-14.

Conditions:
Intellectual developmental disorder, autosomal dominant 22. Also called: Intellectual disability, autosomal dominant 22. Identifiers: MedGen CN029689, MONDO:0012869, OMIM 612337.
Inborn genetic diseases. Identifiers: MedGen C0950123, MeSH D030342.

Allele frequency attached by ClinVar (database versions not stated): TOPMed below 0.00001.

Submissions (2):

Ambry Genetics
Classification: Uncertain significance for Inborn genetic diseases. Last evaluated: 2024-11-14. Review status: criteria provided, single submitter. Criteria: Ambry Variant Classification Scheme 2023. Collection method: clinical testing. Allele origin: germline.

Laboratorio de Genetica e Diagnostico Molecular, Hospital Israelita Albert Einstein
Classification: Uncertain significance for Intellectual developmental disorder, autosomal dominant 22. Last evaluated: 2022-11-12. Review status: criteria provided, single submitter. Criteria: ACMG Guidelines, 2015. Collection method: clinical testing. Allele origin: germline. Affected: yes. Observed: 1 variant allele.
Comment: ACMG classification criteria: PM2 moderated, PP2 supporting, BP4 supporting